The following is an entry in ClinVar:

NM_000642.3(AGL):c.1669T>C (p.Phe557Leu)

Gene: AGL (amylo-alpha-1,6-glucosidase and 4-alpha-glucanotransferase; plus strand). Cytogenetic location: 1p21.2.
Variant type: single nucleotide variant.
Coding change: c.1669T>C on transcript NM_000642.3 (MANE Select); coding-DNA position 1669, T replaced by C.
Protein change: p.Phe557Leu; replaces phenylalanine 557 with leucine.
Molecular consequence: missense variant.
Genome position (GRCh38, 1-based): chr1:99,879,980, T>C. VCF-style: chr1-99879980-T-C. GRCh37 (hg19) VCF-style: chr1-100345536-T-C.
Other names: c.1669T>C, p.Phe557Leu (NM_000028.3, NM_000643.3, NM_000644.3 and 2 more transcripts); c.1621T>C, p.Phe541Leu (NM_000646.3); c.1468T>C, p.Phe490Leu (NM_001425327.1); c.1465T>C, p.Phe489Leu (NM_001425328.1, NM_001425329.1); c.1291T>C, p.Phe431Leu (NM_001425332.1); short protein forms F541L, F557L, F431L, F489L, F490L.
Identifiers: ClinVar variation 2086289 (VCV002086289.4), dbSNP rs2524636371, ClinGen allele CA341315598.

ClinVar aggregate classification (germline): Uncertain significance (1 of 4 stars; one submission).

Conditions:
Glycogen storage disease type III (GSD3). Also called: Cori disease; FORBES DISEASE. Identifiers: Orphanet 366, MedGen C0017922, MONDO:0009291, OMIM 232400.

Submission:

Labcorp Genetics (formerly Invitae), Labcorp
Classification: Uncertain significance for Glycogen storage disease type III. Last evaluated: 2022-01-16. Review status: criteria provided, single submitter. Criteria: Invitae Variant Classification Sherloc (09022015). Collection method: clinical testing. Allele origin: germline.
Comment: This sequence change replaces phenylalanine, which is neutral and non-polar, with leucine, which is neutral and non-polar, at codon 557 of the AGL protein (p.Phe557Leu). This variant is not present in population databases (gnomAD no frequency). This variant has not been reported in the literature in individuals affected with AGL-related conditions. Algorithms developed to predict the effect of missense changes on protein structure and function are either unavailable or do not agree on the potential impact of this missense change (SIFT: "Deleterious"; PolyPhen-2: "Probably Damaging"; Align-GVGD: "Class C0"). In summary, the available evidence is currently insufficient to determine the role of this variant in disease. Therefore, it has been classified as a Variant of Uncertain Significance.